The following is an entry in ClinVar:

ClinVar aggregate classification (germline): Uncertain significance (1 of 4 stars; one submission).

Submission:

Labcorp Genetics (formerly Invitae), Labcorp
Classification: Uncertain significance. Last evaluated: 2025-12-23. Review status: criteria provided, single submitter. Criteria: Invitae Variant Classification Sherloc (09022015). Collection method: clinical testing. Allele origin: germline.
Comment: This sequence change replaces glycine, which is neutral and non-polar, with glutamic acid, which is acidic and polar, at codon 770 of the POLE protein (p.Gly770Glu). This variant is not present in population databases (gnomAD no frequency). This variant has not been reported in the literature in individuals affected with POLE-related conditions. ClinVar contains an entry for this variant (Variation ID: 838006). Invitae Evidence Modeling of protein sequence and biophysical properties (such as structural, functional, and spatial information, amino acid conservation, physicochemical variation, residue mobility, and thermodynamic stability) indicates that this missense variant is not expected to disrupt POLE protein function with a negative predictive value of 80%. In summary, the available evidence is currently insufficient to determine the role of this variant in disease. Therefore, it has been classified as a Variant of Uncertain Significance.

NM_006231.4(POLE):c.2309G>A (p.Gly770Glu)

Gene: POLE (DNA polymerase epsilon, catalytic subunit; minus strand). Cytogenetic location: 12q24.33.
Variant type: single nucleotide variant.
Coding change: c.2309G>A on transcript NM_006231.4 (MANE Select); coding-DNA position 2309, G replaced by A.
Protein change: p.Gly770Glu; replaces glycine 770 with glutamic acid.
Molecular consequence: missense variant.
Genome position (GRCh38, 1-based): chr12:132,667,513, C>T on the plus strand (G>A on the coding strand, the complement: POLE is on the minus strand). VCF-style: chr12-132667513-C-T. GRCh37 (hg19) VCF-style: chr12-133244099-C-T.
Other names: short protein forms G770E.
Identifiers: ClinVar variation 838006 (VCV000838006.5), dbSNP rs1555227087, ClinGen allele CA387352085.
Genomic context (GRCh38, chr12:132,667,513, plus strand): 5'-ACTGAAACTGCCCTCACAGAGGCCAAAGCTTGCAGCCCCTCAGAGCTCACCTTGTGGAGC[C>T]CTTTGAACTCGTAACGCCTGTCCCGGAAGGCACGCACGGTGTCCACGTAGAAGGAGTTTT-3'
Protein context (NP_006222.2, residues 760-780): AFRDRRYEFK[Gly770Glu]LHKVWKKKLS